The following is an entry in ClinVar:

NM_002764.4(PRPS1):c.641G>A (p.Arg214Gln)

Gene: PRPS1 (phosphoribosyl pyrophosphate synthetase 1; plus strand). Cytogenetic location: Xq22.3.
Variant type: single nucleotide variant.
Coding change: c.641G>A on transcript NM_002764.4 (MANE Select); coding-DNA position 641, G replaced by A.
Protein change: p.Arg214Gln; replaces arginine 214 with glutamine.
Molecular consequence: missense variant.
Genome position (GRCh38, 1-based): chrX:107,645,287, G>A. VCF-style: chrX-107645287-G-A. GRCh37 (hg19) VCF-style: chrX-106888517-G-A.
Other names: c.29G>A, p.Arg10Gln (NM_001204402.2); short protein forms R10Q, R214Q.
Identifiers: ClinVar variation 1320158 (VCV001320158.14), dbSNP rs867288458, ClinGen allele CA333059039.

ClinVar aggregate classification (germline): Uncertain significance. Review status: criteria provided, multiple submitters, no conflicts (2 of 4 stars). 6 submissions from 6 submitters: Uncertain significance (5). 1 of the submissions does not count toward it. Last evaluated 2024-03-14.

Conditions:
Hearing loss, X-linked 1 (DFNX1). Also called: DFNX1 Nonsyndromic Sensorineural Hearing Loss (DFN2); DFNX1 Nonsyndromic Hearing Loss and Deafness; DEAFNESS, X-LINKED 1; DEAFNESS, X-LINKED 2, SENSORINEURAL CONGENITAL. Identifiers: Orphanet 90625, MedGen C1844677, MONDO:0010577, OMIM 304500.
Charcot-Marie-Tooth disease X-linked recessive 5 (CMTX5). Also called: OPTIC ATROPHY, POLYNEUROPATHY, AND DEAFNESS; ROSENBERG-CHUTORIAN SYNDROME; Optic atrophy, neural deafness, and distal neurogenic amyotrophy; Charcot-Marie-Tooth Neuropathy X Type 5 (CMTX5). Identifiers: Orphanet 99014, MedGen C1839566, MONDO:0010699, OMIM 311070.
Phosphoribosylpyrophosphate synthetase superactivity. Identifiers: Orphanet 3222, MedGen C1970827, MONDO:0010395, OMIM 300661.
Arts syndrome (ARTS). Also called: ARTS SYNDROME AND PHOSPHORIBOSYLPYROPHOSPHATE SYNTHETASE SUPERACTIVITY; MENTAL RETARDATION, X-LINKED, SYNDROMIC 18; MENTAL RETARDATION, X-LINKED, SYNDROMIC, ARTS TYPE. Identifiers: Orphanet 1187, MedGen C0796028, MONDO:0010533, OMIM 301835.
Retinal dystrophy. Also called: Inherited retinal dystrophy. Identifiers: Orphanet 71862, MedGen C0854723, MeSH D058499, MONDO:0019118, HP:0000556.
Charcot-Marie-Tooth Neuropathy X. Identifiers: MedGen CN118851.

Allele frequency attached by ClinVar (database versions not stated): gnomAD exomes below 0.00001; TOPMed below 0.00001.

Submissions (7):

Fulgent Genetics
Classification: Uncertain significance for Phosphoribosylpyrophosphate synthetase superactivity; Arts syndrome; Hearing loss, X-linked 1; Charcot-Marie-Tooth disease X-linked recessive 5. Last evaluated: 2024-03-14. Review status: criteria provided, single submitter. Criteria: ACMG Guidelines, 2015. Collection method: clinical testing. Allele origin: germline.

Labcorp Genetics (formerly Invitae), Labcorp
Classification: Uncertain significance for Charcot-Marie-Tooth Neuropathy X. Last evaluated: 2024-02-24. Review status: criteria provided, single submitter. Criteria: Invitae Variant Classification Sherloc (09022015). Collection method: clinical testing. Allele origin: germline.
Comment: This sequence change replaces arginine, which is basic and polar, with glutamine, which is neutral and polar, at codon 214 of the PRPS1 protein (p.Arg214Gln). This variant is not present in population databases (gnomAD no frequency). This variant has not been reported in the literature in individuals affected with PRPS1-related conditions. ClinVar contains an entry for this variant (Variation ID: 1320158). Advanced modeling of protein sequence and biophysical properties (such as structural, functional, and spatial information, amino acid conservation, physicochemical variation, residue mobility, and thermodynamic stability) performed at Invitae indicates that this missense variant is not expected to disrupt PRPS1 protein function with a negative predictive value of 80%. This variant disrupts the p.Arg214 amino acid residue in PRPS1. Other variant(s) that disrupt this residue have been determined to be pathogenic (PMID: 28967191; Invitae). This suggests that this residue is clinically significant, and that variants that disrupt this residue are likely to be disease-causing. In summary, the available evidence is currently insufficient to determine the role of this variant in disease. Therefore, it has been classified as a Variant of Uncertain Significance.

3billion
Classification: Uncertain significance for Arts syndrome. Last evaluated: 2023-06-21. Review status: criteria provided, single submitter. Criteria: ACMG Guidelines, 2015. Collection method: clinical testing. Allele origin: maternal. Affected: yes. Observed: 1 heterozygote.
Comment: It is not observed in the gnomAD v2.1.1 dataset (PM2). A different missense change at the same codon (p.Arg214Trp) has been reported as pathogenic/likely pathogenic (ClinVar ID: VCV000446163.5 PM5). Missense changes are a common disease-causing mechanism (PP2). In silico tool predictions suggest damaging effect of the variant on gene or gene product (REVEL: 0.696, 3Cnet: 0.610, PP3). However the evidence of pathogenicity is insufficient at this time. Therefore, this variant is classified as a variant of uncertain significance according to the recommendation of ACMG/AMP guideline.

Blueprint Genetics
Classification: Uncertain significance. Last evaluated: 2021-07-20. Review status: criteria provided, single submitter. Criteria: ACMG Guidelines, 2015. Collection method: clinical testing. Allele origin: germline.

Genetic Services Laboratory, University of Chicago
Classification: Uncertain significance. Last evaluated: 2019-12-02. Review status: criteria provided, single submitter. Criteria: ACMG Guidelines, 2015. Collection method: clinical testing. Allele origin: germline. Affected: no.

Institute of Human Genetics, Univ. Regensburg, Univ. Regensburg
Classification: Uncertain significance for Retinal dystrophy. Last evaluated: 2023-01-01. Review status: no assertion criteria provided. Criteria: ACMG Guidelines, 2015. Collection method: clinical testing. Allele origin: germline. Affected: yes. Not counted in ClinVar's aggregate classification.

Dr. Peter K. Rogan Lab, Western University
No classification provided (evidence only). Condition: Thyroid cancer, nonmedullary, 1. Review status: no classification provided. Collection method: in vitro. Allele origin: not applicable. Functional consequence: retained intron. Not counted in ClinVar's aggregate classification.

Literature cited by the submitters: PubMed 28967191 (cited by Labcorp Genetics (formerly Invitae), Labcorp).